The following is an entry in ClinVar:

NM_000921.5(PDE3A):c.2047G>A (p.Asp683Asn)

Gene: PDE3A (phosphodiesterase 3A; plus strand). Cytogenetic location: 12p12.2.
Variant type: single nucleotide variant.
Coding change: c.2047G>A on transcript NM_000921.5 (MANE Select); coding-DNA position 2047, G replaced by A.
Protein change: p.Asp683Asn; replaces aspartic acid 683 with asparagine.
Molecular consequence: missense variant.
Genome position (GRCh38, 1-based): chr12:20,637,145, G>A. VCF-style: chr12-20637145-G-A. GRCh37 (hg19) VCF-style: chr12-20790079-G-A.
Other names: c.1081G>A, p.Asp361Asn (NM_001244683.2, NM_001378409.1); c.1741G>A, p.Asp581Asn (NM_001378407.1); c.1084G>A, p.Asp362Asn (NM_001378408.1); short protein forms D361N, D581N, D683N, D362N.
Identifiers: ClinVar variation 4698091 (VCV004698091.1).

ClinVar aggregate classification (germline): Uncertain significance (1 of 4 stars; one submission).

gnomAD v4.1: 4 of 1,609,896 alleles (0.00025%); highest among the groups gnomAD compares: Non-Finnish European, 0.00025%; no homozygotes.

Submission:

Labcorp Genetics (formerly Invitae), Labcorp
Classification: Uncertain significance. Last evaluated: 2025-02-26. Review status: criteria provided, single submitter. Criteria: Invitae Variant Classification Sherloc (09022015). Collection method: clinical testing. Allele origin: germline.
Comment: This sequence change replaces aspartic acid, which is acidic and polar, with asparagine, which is neutral and polar, at codon 683 of the PDE3A protein (p.Asp683Asn). This variant is present in population databases (rs750047216, gnomAD 0.0009%). This variant has not been reported in the literature in individuals affected with PDE3A-related conditions. An algorithm developed to predict the effect of missense changes on protein structure and function (PolyPhen-2) suggests that this variant is likely to be tolerated. In summary, the available evidence is currently insufficient to determine the role of this variant in disease. Therefore, it has been classified as a Variant of Uncertain Significance.